The following is an entry in ClinVar:

NM_013254.4(TBK1):c.1717C>A (p.Arg573Ser)

Gene: TBK1 (TANK binding kinase 1; plus strand). Cytogenetic location: 12q14.2.
Variant type: single nucleotide variant.
Coding change: c.1717C>A on transcript NM_013254.4 (MANE Select); coding-DNA position 1717, C replaced by A.
Protein change: p.Arg573Ser; replaces arginine 573 with serine.
Molecular consequence: missense variant.
Genome position (GRCh38, 1-based): chr12:64,495,772, C>A. VCF-style: chr12-64495772-C-A. GRCh37 (hg19) VCF-style: chr12-64889552-C-A.
Other names: short protein forms R573S.
Identifiers: ClinVar variation 2839318 (VCV002839318.3), dbSNP rs772820487, ClinGen allele CA385604704.

ClinVar aggregate classification (germline): Uncertain significance (1 of 4 stars; one submission).

Conditions:
Frontotemporal dementia and/or amyotrophic lateral sclerosis 4. Also called: FTDALS4. Identifiers: Orphanet 275872, MedGen C4225325, MONDO:0014641, OMIM 616439.

gnomAD v4.1: 1 of 1,569,220 alleles (0.000064%); no homozygotes.

Submission:

Labcorp Genetics (formerly Invitae), Labcorp
Classification: Uncertain significance for Frontotemporal dementia and/or amyotrophic lateral sclerosis 4. Last evaluated: 2023-02-20. Review status: criteria provided, single submitter. Criteria: Invitae Variant Classification Sherloc (09022015). Collection method: clinical testing. Allele origin: germline.
Comment: Advanced modeling of protein sequence and biophysical properties (such as structural, functional, and spatial information, amino acid conservation, physicochemical variation, residue mobility, and thermodynamic stability) performed at Invitae indicates that this missense variant is not expected to disrupt TBK1 protein function. This missense change has been observed in individual(s) with amyotrophic lateral sclerosis (Invitae). This variant is not present in population databases (gnomAD no frequency). This variant disrupts the p.Arg573Gly amino acid residue in TBK1. Other variant(s) that disrupt this residue have been determined to be pathogenic (PMID: 28365590). This suggests that this residue is clinically significant, and that variants that disrupt this residue are likely to be disease-causing. This sequence change replaces arginine, which is basic and polar, with serine, which is neutral and polar, at codon 573 of the TBK1 protein (p.Arg573Ser). In summary, the available evidence is currently insufficient to determine the role of this variant in disease. Therefore, it has been classified as a Variant of Uncertain Significance.

Literature cited by the submitters: PubMed 28365590.